The following is an entry in ClinVar:

ClinVar aggregate classification (germline): Uncertain significance (1 of 4 stars; one submission).

Submission:

Labcorp Genetics (formerly Invitae), Labcorp
Classification: Uncertain significance. Last evaluated: 2024-09-14. Review status: criteria provided, single submitter. Criteria: Invitae Variant Classification Sherloc (09022015). Collection method: clinical testing. Allele origin: germline.
Comment: This sequence change replaces proline, which is neutral and non-polar, with arginine, which is basic and polar, at codon 340 of the SRP72 protein (p.Pro340Arg). This variant is not present in population databases (gnomAD no frequency). This variant has not been reported in the literature in individuals affected with SRP72-related conditions. Invitae Evidence Modeling of protein sequence and biophysical properties (such as structural, functional, and spatial information, amino acid conservation, physicochemical variation, residue mobility, and thermodynamic stability) has been performed for this missense variant. However, the output from this modeling did not meet the statistical confidence thresholds required to predict the impact of this variant on SRP72 protein function. In summary, the available evidence is currently insufficient to determine the role of this variant in disease. Therefore, it has been classified as a Variant of Uncertain Significance.

NM_006947.4(SRP72):c.1019C>G (p.Pro340Arg)

Gene: SRP72 (signal recognition particle 72; plus strand). Cytogenetic location: 4q12.
Variant type: single nucleotide variant.
Coding change: c.1019C>G on transcript NM_006947.4 (MANE Select); coding-DNA position 1019, C replaced by G.
Protein change: p.Pro340Arg; replaces proline 340 with arginine.
Molecular consequence: missense variant. On other transcripts: non-coding transcript variant (1).
Genome position (GRCh38, 1-based): chr4:56,484,797, C>G. VCF-style: chr4-56484797-C-G. GRCh37 (hg19) VCF-style: chr4-57350963-C-G.
Other names: c.836C>G, p.Pro279Arg (NM_001267722.2); short protein forms P279R, P340R.
Identifiers: ClinVar variation 3667294 (VCV003667294.2).
Genomic context (GRCh38, chr4:56,484,797, plus strand): 5'-CTGAACAATGCCGCAAAATATCTGCCAGTTTACAGTCCCAAAGTCCCGAGCATCTCTTAC[C>G]TGTGTTAATCCAAGCTGCCCAGCTCTGCCGTGAAAAGCAGCACACAAAAGCAATAGAGCT-3'
Protein context (NP_008878.3, residues 330-350): LQSQSPEHLL[Pro340Arg]VLIQAAQLCR